The following is an entry in ClinVar:

ClinVar aggregate classification (germline): Uncertain significance (1 of 4 stars; one submission).

Submission:

Labcorp Genetics (formerly Invitae), Labcorp
Classification: Uncertain significance. Last evaluated: 2021-02-18. Review status: criteria provided, single submitter. Criteria: Invitae Variant Classification Sherloc (09022015). Collection method: clinical testing. Allele origin: germline.
Comment: This sequence change replaces threonine with isoleucine at codon 1509 of the CPLANE1 protein (p.Thr1509Ile). The threonine residue is weakly conserved and there is a moderate physicochemical difference between threonine and isoleucine. This variant is not present in population databases (ExAC no frequency). This variant has not been reported in the literature in individuals with CPLANE1-related conditions. Advanced modeling of protein sequence and biophysical properties (such as structural, functional, and spatial information, amino acid conservation, physicochemical variation, residue mobility, and thermodynamic stability) performed at Invitae indicates that this missense variant is not expected to disrupt CPLANE1 protein function. In summary, the available evidence is currently insufficient to determine the role of this variant in disease. Therefore, it has been classified as a Variant of Uncertain Significance.

NM_001384732.1(CPLANE1):c.4526C>T (p.Thr1509Ile)

Gene: CPLANE1 (ciliogenesis and planar polarity effector complex subunit 1; minus strand). Cytogenetic location: 5p13.2.
Variant type: single nucleotide variant.
Coding change: c.4526C>T on transcript NM_001384732.1 (MANE Select); coding-DNA position 4526, C replaced by T.
Protein change: p.Thr1509Ile; replaces threonine 1509 with isoleucine.
Molecular consequence: missense variant.
Genome position (GRCh38, 1-based): chr5:37,183,655, G>A on the plus strand (C>T on the coding strand, the complement: CPLANE1 is on the minus strand). VCF-style: chr5-37183655-G-A. GRCh37 (hg19) VCF-style: chr5-37183757-G-A.
Other names: c.4526C>T, p.Thr1509Ile (NM_023073.4); short protein forms T1509I.
Identifiers: ClinVar variation 1373898 (VCV001373898.8), dbSNP rs2151158361, ClinGen allele CA359498121.